The following is an entry in ClinVar:

NM_001848.3(COL6A1):c.997G>A (p.Val333Met)

Gene: COL6A1 (collagen type VI alpha 1 chain; plus strand). Cytogenetic location: 21q22.3.
Variant type: single nucleotide variant.
Coding change: c.997G>A on transcript NM_001848.3 (MANE Select); coding-DNA position 997, G replaced by A.
Protein change: p.Val333Met; replaces valine 333 with methionine.
Molecular consequence: missense variant.
Genome position (GRCh38, 1-based): chr21:45,990,417, G>A. VCF-style: chr21-45990417-G-A. GRCh37 (hg19) VCF-style: chr21-47410331-G-A.
Other names: short protein forms V333M.
Identifiers: ClinVar variation 282116 (VCV000282116.44), dbSNP rs201525908, ClinGen allele CA10069955.

ClinVar aggregate classification (germline): Benign/Likely benign. Review status: criteria provided, multiple submitters, no conflicts (2 of 4 stars). 10 submissions from 10 submitters: Benign (1); Likely benign (8). 1 of the submissions does not count toward it. Last evaluated 2026-01-15.

Conditions:
COL6A1-related disorder. Also called: COL6A1-related condition.
Inborn genetic diseases. Identifiers: MedGen C0950123, MeSH D030342.
Collagen 6-related myopathy. Identifiers: MedGen CN117976, MONDO:0100225.
Bethlem myopathy 1A. Also called: Bethlem myopathy 1; MYOPATHY, BENIGN CONGENITAL, WITH CONTRACTURES; Bethlem Muscular Dystrophy. Identifiers: Orphanet 610, MedGen CN029274, MONDO:0024530, OMIM 158810.

Allele frequency attached by ClinVar (database versions not stated): ESP Exome Variant Server 0.00008; TOPMed 0.00026; gnomAD exomes 0.00035 and 0.00090; gnomAD 0.00052 and 0.00105; ExAC 0.00110; 1000 Genomes Project 0.00120.
gnomAD v4.1: 460 of 1,225,138 alleles (0.038%); highest among the groups gnomAD compares: South Asian, 0.43%; 4 homozygotes.

Submissions (10):

Labcorp Genetics (formerly Invitae), Labcorp
Classification: Likely benign for Bethlem myopathy 1A. Last evaluated: 2026-01-15. Review status: criteria provided, single submitter. Criteria: Invitae Variant Classification Sherloc (09022015). Collection method: clinical testing. Allele origin: germline.

Women's Health and Genetics/Laboratory Corporation of America, LabCorp
Classification: Likely benign. Last evaluated: 2025-12-15. Review status: criteria provided, single submitter. Criteria: LabCorp Variant Classification Summary - May 2015. Collection method: clinical testing. Allele origin: germline.
Comment: Variant summary: COL6A1 c.997G>A (p.Val333Met) results in a conservative amino acid change in the encoded protein sequence. Algorithms developed to predict the effect of missense changes on protein structure and function all suggest that this variant is likely to be tolerated. The variant allele was found at a frequency of 0.0009 in 247696 control chromosomes, predominantly at a frequency of 0.0059 within the South Asian subpopulation in the gnomAD database, including 2 homozygotes. The observed variant frequency within South Asian control individuals in the gnomAD database exceeds the estimated maximal expected allele frequency for disease-causing variants in COL6A1. To our knowledge, no occurrence of c.997G>A in individuals affected with COL6A1-related conditions and no experimental evidence demonstrating its impact on protein function have been reported. The following publication has been ascertained in the context of this evaluation (PMID: 28714244). ClinVar contains an entry for this variant (Variation ID: 282116). Based on the evidence outlined above, the variant was classified as likely benign.

CeGaT Center for Human Genetics Tuebingen
Classification: Likely benign. Last evaluated: 2025-05-01. Review status: criteria provided, single submitter. Criteria: CeGaT Center For Human Genetics Tuebingen Variant Classification Criteria Version 2. Collection method: clinical testing. Allele origin: germline. Affected: yes. Observed: 2 variant alleles.
Comment: COL6A1: BS1

Blueprint Genetics
Classification: Likely benign. Last evaluated: 2024-11-18. Review status: criteria provided, single submitter. Criteria: ACMG Guidelines, 2015. Collection method: clinical testing. Allele origin: germline.

Ambry Genetics
Classification: Likely benign for Inborn genetic diseases. Last evaluated: 2022-03-28. Review status: criteria provided, single submitter. Criteria: Ambry Variant Classification Scheme 2023. Collection method: clinical testing. Allele origin: germline.

GeneDx
Classification: Likely benign. Last evaluated: 2018-07-26. Review status: criteria provided, single submitter. Criteria: GeneDx Variant Classification Process June 2021. Collection method: clinical testing. Allele origin: germline. Affected: yes.

Illumina Laboratory Services, Illumina
Classification: Benign for Collagen VI-related myopathy. Last evaluated: 2018-01-13. Review status: criteria provided, single submitter. Criteria: ICSL Variant Classification Criteria 13 December 2019. Collection method: clinical testing. Allele origin: germline.
Comment: This variant was observed in the ICSL laboratory as part of a predisposition screen in an ostensibly healthy population. It had not been previously curated by ICSL or reported in the Human Gene Mutation Database (HGMD: prior to June 1st, 2018), and was therefore a candidate for classification through an automated scoring system. Utilizing variant allele frequency, disease prevalence and penetrance estimates, and inheritance mode, an automated score was calculated to assess if this variant is too frequent to cause the disease. Based on the score and internal cut-off values, a variant classified as benign is not then subjected to further curation. The score for this variant resulted in a classification of benign for this disease.

Eurofins Ntd Llc (ga)
Classification: Likely benign. Last evaluated: 2015-07-21. Review status: criteria provided, single submitter. Criteria: EGL Classification Definitions 2015. Collection method: clinical testing. Allele origin: germline. Observed: 1 variant allele, 1 heterozygote.

Breakthrough Genomics
Classification: Likely benign. Review status: criteria provided, single submitter. Criteria: ACMG Guidelines, 2015. Collection method: not provided. Allele origin: germline. Inheritance: Autosomal recessive inheritance. Affected: yes.

PreventionGenetics, part of Exact Sciences
Classification: Likely benign for COL6A1-related condition. Last evaluated: 2019-05-23. Review status: no assertion criteria provided. Collection method: clinical testing. Allele origin: germline. Not counted in ClinVar's aggregate classification.
Comment: This variant is classified as likely benign based on ACMG/AMP sequence variant interpretation guidelines (Richards et al. 2015 PMID: 25741868, with internal and published modifications).

Literature cited by the submitters: PubMed 28714244 (cited by Women's Health and Genetics/Laboratory Corporation of America, LabCorp).